The following is an entry in ClinVar:

NM_001042492.3(NF1):c.5268+4A>G

Gene: NF1 (neurofibromin 1; plus strand). Cytogenetic location: 17q11.2.
Variant type: single nucleotide variant.
Coding change: c.5268+4A>G on transcript NM_001042492.3 (MANE Select); 4 bases into the intron after coding-DNA position 5268, A replaced by G.
Molecular consequence: intron variant.
Genome position (GRCh38, 1-based): chr17:31,326,256, A>G. VCF-style: chr17-31326256-A-G. GRCh37 (hg19) VCF-style: chr17-29653274-A-G.
Other names: c.5205+4A>G (NM_000267.4).
Identifiers: ClinVar variation 527509 (VCV000527509.6), dbSNP rs1555533418, ClinGen allele CA658798778.

ClinVar aggregate classification (germline): Uncertain significance. Review status: criteria provided, multiple submitters, no conflicts (2 of 4 stars). 2 submissions from 2 submitters: Uncertain significance (2). Last evaluated 2025-09-03.

Conditions:
Neurofibromatosis, type 1 (NF1). Also called: VON RECKLINGHAUSEN DISEASE; NEUROFIBROMATOSIS, TYPE I, SOMATIC; Peripheral type neurofibromatosis; Neurofibromatosis, type I. Identifiers: Orphanet 636, MedGen C0027831, MONDO:0018975, OMIM 162200. Disease mechanism: loss of function.
Cardiovascular phenotype. Identifiers: MedGen CN230736.
Hereditary cancer-predisposing syndrome. Also called: Neoplastic Syndromes, Hereditary; Tumor predisposition; Hereditary neoplastic syndrome; Hereditary Cancer Syndrome. Identifiers: Orphanet 140162, MedGen C0027672, MeSH D009386, MONDO:0015356.

Allele frequency attached by ClinVar (database versions not stated): TOPMed below 0.00001.

Submissions (2):

Ambry Genetics
Classification: Uncertain significance for Cardiovascular phenotype; Hereditary cancer-predisposing syndrome. Last evaluated: 2025-09-03. Review status: criteria provided, single submitter. Criteria: Ambry Variant Classification Scheme 2023. Collection method: clinical testing. Allele origin: germline.
Comment: The c.5205+4A>G intronic variant results from an A to G substitution 4 nucleotides after coding exon 36 in the NF1 gene. This nucleotide position is well conserved in available vertebrate species. In silico splice site analysis for this alteration is inconclusive. Based on the available evidence, the clinical significance of this variant remains unclear.

Labcorp Genetics (formerly Invitae), Labcorp
Classification: Uncertain significance for Neurofibromatosis, type 1. Last evaluated: 2017-08-25. Review status: criteria provided, single submitter. Criteria: Invitae Variant Classification Sherloc (09022015). Collection method: clinical testing. Allele origin: germline.
Comment: In summary, the available evidence is currently insufficient to determine the role of this variant in disease. Therefore, it has been classified as a Variant of Uncertain Significance. Nucleotide substitutions within the consensus splice site are a relatively common cause of aberrant splicing (PMID: 17576681, 9536098). Algorithms developed to predict the effect of sequence changes on RNA splicing suggest that this variant may disrupt the consensus splice site, but this prediction has not been confirmed by published transcriptional studies. This variant has not been reported in the literature in individuals with NF1-related disease. This variant is not present in population databases (ExAC no frequency). This sequence change falls in intron 36 of the NF1 gene. It does not directly change the encoded amino acid sequence of the NF1 protein, but it affects a nucleotide within the consensus splice site of the intron.

Literature cited by the submitters: PubMed 17576681 (cited by Labcorp Genetics (formerly Invitae), Labcorp); PubMed 9536098 (cited by Labcorp Genetics (formerly Invitae), Labcorp).